The following is an entry in ClinVar:

ClinVar aggregate classification (germline): Likely pathogenic (1 of 4 stars; one submission).

gnomAD v4.1: 2 of 1,211,870 alleles (0.00017%); highest among the groups gnomAD compares: Non-Finnish European, 0.00022%; no homozygotes.

Submission:

GeneDx
Classification: Likely pathogenic. Last evaluated: 2017-07-26. Review status: criteria provided, single submitter. Criteria: GeneDx Variant Classification (06012015). Collection method: clinical testing. Allele origin: germline. Affected: yes.
Comment: The R240C variant in the SRPX2 gene has not been reported previously as a pathogenic variant, nor as a benign variant, to our knowledge. The R240C variant is not observed in large population cohorts (Lek et al., 2016; 1000 Genomes Consortium et al., 2015; Exome Variant Server). The R240C variant is a non-conservative amino acid substitution, which is likely to impact secondary protein structure as these residues differ in polarity, charge, size and/or other properties. This substitution occurs at a position that is conserved across species. In silico analysis predicts this variant is probably damaging to the protein structure/function. We interpret R240C as a likely pathogenic variant,

NM_014467.3(SRPX2):c.718C>T (p.Arg240Cys)

Gene: SRPX2 (sushi repeat containing protein X-linked 2; plus strand). Cytogenetic location: Xq22.1.
Variant type: single nucleotide variant.
Coding change: c.718C>T on transcript NM_014467.3 (MANE Select); coding-DNA position 718, C replaced by T.
Protein change: p.Arg240Cys; replaces arginine 240 with cysteine.
Molecular consequence: missense variant.
Genome position (GRCh38, 1-based): chrX:100,665,594, C>T. VCF-style: chrX-100665594-C-T. GRCh37 (hg19) VCF-style: chrX-99920591-C-T.
Other names: short protein forms R240C.
Identifiers: ClinVar variation 450679 (VCV000450679.1), dbSNP rs1556013503, ClinGen allele CA413935975.